The following is an entry in ClinVar:

NM_001356.5(DDX3X):c.454dup (p.Ser152fs)

Gene: DDX3X (DEAD-box helicase 3 X-linked; plus strand). Cytogenetic location: Xp11.4.
Variant type: Duplication.
Coding change: c.454dup on transcript NM_001356.5 (MANE Select); coding-DNA position 454, one base duplicated (T; older notation c.454dupT).
Protein change: p.Ser152fs; shifts the reading frame from serine 152.
Molecular consequence: frameshift variant. On other transcripts: 5 prime UTR variant (1), non-coding transcript variant (1).
Genome position (GRCh38, 1-based): chrX:41,342,747, T duplicated; the last of 4 consecutive T bases (chrX:41,342,744-41,342,747); duplicating any one gives the same sequence. VCF-style (leftmost placement, unchanged base first): chrX-41342743-C-CT. GRCh37 (hg19) VCF-style: chrX-41201996-C-CT.
Other names: c.454dupT (NM_001356.4, NM_001356.3); c.454dup, p.Ser152fs (NM_001193416.3); c.406dup, p.Ser136fs (NM_001193417.3); c.-105dup (NM_001363819.1); short protein forms S136fs, S152fs.
Identifiers: ClinVar variation 978389 (VCV000978389.20), dbSNP rs2147350816, ClinGen allele CA1139667454.

ClinVar aggregate classification (germline): Pathogenic. Review status: criteria provided, multiple submitters, no conflicts (2 of 4 stars). 6 submissions from 6 submitters: Pathogenic (4). 2 of the submissions do not count toward it. Last evaluated 2026-01-24.

Conditions:
Inborn genetic diseases. Identifiers: MedGen C0950123, MeSH D030342.
Rare genetic intellectual disability. Identifiers: Orphanet 183757, MedGen C5680527.
Intellectual disability, X-linked 102 (MRXSSB). Also called: Intellectual developmental disorder, X-linked syndromic, Snijders Blok type. Identifiers: Orphanet 457260, MedGen C5393299, MONDO:0010497, OMIM 300958.

Submissions (6):

GeneDx
Classification: Pathogenic. Last evaluated: 2026-01-24. Review status: criteria provided, single submitter. Criteria: GeneDx Variant Classification Process June 2021. Collection method: clinical testing. Allele origin: germline. Affected: yes.
Comment: Has not been previously published as pathogenic or benign to our knowledge; Frameshift variant predicted to result in protein truncation or nonsense mediated decay in a gene for which loss of function is a known mechanism of disease; Not observed at significant frequency in large population cohorts (gnomAD)

Variantyx, Inc.
Classification: Pathogenic for Intellectual disability, X-linked 102. Last evaluated: 2025-11-17. Review status: criteria provided, single submitter. Criteria: Variantyx Assertion Criteria 2022. Collection method: clinical testing. Allele origin: maternal. Inheritance: X-linked inheritance. Affected: no.
Comment: This is a frameshift variant in the DDX3X gene (OMIM: 300160). Pathogenic variants in this gene have been associated with X-linked syndromic intellectual developmental disorder, Snijders Blok type. This variant introduces a premature termination codon in exon 6 out of 17 and is expected to result in loss of function, which is a known disease mechanism for DDX3X in this disorder (PMID: 26235985, 27159028, 28327206) (PVS1). This variant is absent from control populations (PM2). Based on the current evidence, this variant is classified as pathogenic for X-linked syndromic intellectual developmental disorder, Snijders Blok type.

Ambry Genetics
Classification: Pathogenic for Inborn genetic diseases. Last evaluated: 2024-01-25. Review status: criteria provided, single submitter. Criteria: Ambry Variant Classification Scheme 2023. Collection method: clinical testing. Allele origin: germline.
Comment: The c.454dupT (p.S152Ffs*8) alteration, located in exon 6 (coding exon 6) of the DDX3X gene, consists of a duplication of T at position 454, causing a translational frameshift with a predicted alternate stop codon after 8 amino acids. This alteration is expected to result in loss of function by premature protein truncation or nonsense-mediated mRNA decay. This variant was not reported in population-based cohorts in the Genome Aggregation Database (gnomAD). Based on the available evidence, this alteration is classified as pathogenic.

Labcorp Genetics (formerly Invitae), Labcorp
Classification: Pathogenic. Last evaluated: 2022-07-01. Review status: criteria provided, single submitter. Criteria: Invitae Variant Classification Sherloc (09022015). Collection method: clinical testing. Allele origin: germline.
Comment: For these reasons, this variant has been classified as Pathogenic. ClinVar contains an entry for this variant (Variation ID: 978389). This variant has not been reported in the literature in individuals affected with DDX3X-related conditions. This variant is not present in population databases (gnomAD no frequency). This sequence change creates a premature translational stop signal (p.Ser152Phefs*8) in the DDX3X gene. It is expected to result in an absent or disrupted protein product. Loss-of-function variants in DDX3X are known to be pathogenic (PMID: 26235985).

Institute of Human Genetics, Heidelberg University
Classification: Pathogenic for Intellectual disability, X-linked 102. Last evaluated: 2022-03-09. Review status: no assertion criteria provided. Collection method: clinical testing. Allele origin: germline. Affected: yes. Not counted in ClinVar's aggregate classification.

Service de Génétique Moléculaire, Hôpital Robert Debré
Classification: Likely pathogenic for Rare genetic intellectual disability. Review status: no assertion criteria provided. Collection method: clinical testing. Allele origin: de novo. Affected: yes. Not counted in ClinVar's aggregate classification.

Literature cited by the submitters: PubMed 26235985 (cited by Variantyx, Inc. and Labcorp Genetics (formerly Invitae), Labcorp); PubMed 27159028 (cited by Variantyx, Inc.); PubMed 28327206 (cited by Variantyx, Inc.).